The following is an entry in ClinVar:

ClinVar aggregate classification (germline): Uncertain significance (1 of 4 stars; one submission).

Conditions:
Charcot-Marie-Tooth disease axonal type 2O. Also called: Charcot-Marie-Tooth disease, axonal, type 20; CHARCOT-MARIE-TOOTH NEUROPATHY, AXONAL, TYPE 2O; CHARCOT-MARIE-TOOTH DISEASE, AXONAL, AUTOSOMAL DOMINANT, TYPE 2O; Charcot-Marie-Tooth Neuropathy Type 2O. Identifiers: Orphanet 284232, MedGen C3280220, MONDO:0013644, OMIM 614228.

gnomAD v4.1: 1 of 1,614,104 alleles (0.000062%); highest among the groups gnomAD compares: African/African-American, 0.0013%; no homozygotes.

Submission:

Labcorp Genetics (formerly Invitae), Labcorp
Classification: Uncertain significance for Charcot-Marie-Tooth disease axonal type 2O. Last evaluated: 2024-08-01. Review status: criteria provided, single submitter. Criteria: Invitae Variant Classification Sherloc (09022015). Collection method: clinical testing. Allele origin: germline.
Comment: This sequence change replaces glutamine, which is neutral and polar, with histidine, which is basic and polar, at codon 4262 of the DYNC1H1 protein (p.Gln4262His). This variant is not present in population databases (gnomAD no frequency). This variant has not been reported in the literature in individuals affected with DYNC1H1-related conditions. Advanced modeling of protein sequence and biophysical properties (such as structural, functional, and spatial information, amino acid conservation, physicochemical variation, residue mobility, and thermodynamic stability) performed at Invitae indicates that this missense variant is not expected to disrupt DYNC1H1 protein function with a negative predictive value of 95%. In summary, the available evidence is currently insufficient to determine the role of this variant in disease. Therefore, it has been classified as a Variant of Uncertain Significance.

NM_001376.5(DYNC1H1):c.12786G>T (p.Gln4262His)

Gene: DYNC1H1 (dynein cytoplasmic 1 heavy chain 1; plus strand). Cytogenetic location: 14q32.31.
Variant type: single nucleotide variant.
Coding change: c.12786G>T on transcript NM_001376.5 (MANE Select); coding-DNA position 12786, G replaced by T.
Protein change: p.Gln4262His; replaces glutamine 4262 with histidine.
Molecular consequence: missense variant.
Genome position (GRCh38, 1-based): chr14:102,044,375, G>T. VCF-style: chr14-102044375-G-T. GRCh37 (hg19) VCF-style: chr14-102510712-G-T.
Other names: short protein forms Q4262H.
Identifiers: ClinVar variation 3708453 (VCV003708453.2).